The following is an entry in ClinVar:

ClinVar aggregate classification (germline): Benign (0 of 4 stars; one submission).

Conditions:
ALPK2-related disorder. Also called: ALPK2-related condition.

Allele frequency attached by ClinVar (database versions not stated): ExAC 0.00411; gnomAD 0.01187; 1000 Genomes Project 0.01198; 1000 Genomes Project 30x 0.01312; TOPMed 0.01328; ESP Exome Variant Server 0.01399.
gnomAD v4.1: 4,441 of 1,614,058 alleles (0.28%); highest among the groups gnomAD compares: African/African-American, 3.8%; 57 homozygotes.

Submission:

PreventionGenetics, part of Exact Sciences
Classification: Benign for ALPK2-related condition. Last evaluated: 2019-05-23. Review status: no assertion criteria provided. Collection method: clinical testing. Allele origin: germline.
Comment: This variant is classified as benign based on ACMG/AMP sequence variant interpretation guidelines (Richards et al. 2015 PMID: 25741868, with internal and published modifications).

NM_052947.4(ALPK2):c.1619C>T (p.Pro540Leu)

Gene: ALPK2 (alpha kinase 2; minus strand). Cytogenetic location: 18q21.31.
Variant type: single nucleotide variant.
Coding change: c.1619C>T on transcript NM_052947.4 (MANE Select); coding-DNA position 1619, C replaced by T.
Protein change: p.Pro540Leu; replaces proline 540 with leucine.
Molecular consequence: missense variant.
Genome position (GRCh38, 1-based): chr18:58,579,157, G>A on the plus strand (C>T on the coding strand, the complement: ALPK2 is on the minus strand). VCF-style: chr18-58579157-G-A. GRCh37 (hg19) VCF-style: chr18-56246389-G-A.
Other names: short protein forms P540L.
Identifiers: ClinVar variation 3039203 (VCV003039203.2), dbSNP rs145586769, ClinGen allele CA8977213.